The following is an entry in ClinVar:

ClinVar aggregate classification (germline): Uncertain significance (1 of 4 stars; one submission).

Conditions:
Inborn genetic diseases. Identifiers: MedGen C0950123, MeSH D030342.

Submission:

Ambry Genetics
Classification: Uncertain significance for Inborn genetic diseases. Last evaluated: 2025-11-12. Review status: criteria provided, single submitter. Criteria: Ambry Variant Classification Scheme 2023. Collection method: clinical testing. Allele origin: germline.
Comment: The p.K1371N variant (also known as c.4113G>T), located in coding exon 13 of the ASXL1 gene, results from a G to T substitution at nucleotide position 4113. The lysine at codon 1371 is replaced by asparagine, an amino acid with similar properties. This amino acid position is conserved. In addition, this alteration is predicted to be tolerated by in silico analysis. Based on the available evidence, the clinical significance of this variant remains unclear.

NM_015338.6(ASXL1):c.4113G>T (p.Lys1371Asn)

Gene: ASXL1 (ASXL transcriptional regulator 1; plus strand). Cytogenetic location: 20q11.21.
Variant type: single nucleotide variant.
Coding change: c.4113G>T on transcript NM_015338.6 (MANE Select); coding-DNA position 4113, G replaced by T.
Protein change: p.Lys1371Asn; replaces lysine 1371 with asparagine.
Molecular consequence: missense variant.
Genome position (GRCh38, 1-based): chr20:32,436,825, G>T. VCF-style: chr20-32436825-G-T. GRCh37 (hg19) VCF-style: chr20-31024628-G-T.
Other names: c.3930G>T, p.Lys1310Asn (NM_001363734.1); short protein forms K1371N, K1310N.
Identifiers: ClinVar variation 4588546 (VCV004588546.1).